The following is an entry in ClinVar:

NM_017636.4(TRPM4):c.2425C>T (p.Pro809Ser)

Gene: TRPM4 (transient receptor potential cation channel subfamily M member 4; plus strand). Cytogenetic location: 19q13.33.
Variant type: single nucleotide variant.
Coding change: c.2425C>T on transcript NM_017636.4 (MANE Select); coding-DNA position 2425, C replaced by T.
Protein change: p.Pro809Ser; replaces proline 809 with serine.
Molecular consequence: missense variant. On other transcripts: intron variant (1).
Genome position (GRCh38, 1-based): chr19:49,196,654, C>T. VCF-style: chr19-49196654-C-T. GRCh37 (hg19) VCF-style: chr19-49699911-C-T.
Other names: c.2080C>T, p.Pro694Ser (NM_001321281.2); c.817C>T, p.Pro273Ser (NM_001321282.2); c.1903C>T, p.Pro635Ser (NM_001321283.2); c.1363C>T, p.Pro455Ser (NM_001321285.2); c.2211-3646C>T (NM_001195227.2); short protein forms P455S, P635S, P694S, P273S, P809S.
Identifiers: ClinVar variation 1791077 (VCV001791077.6), dbSNP rs929610118, ClinGen allele CA309455211.

ClinVar aggregate classification (germline): Uncertain significance. Review status: criteria provided, multiple submitters, no conflicts (2 of 4 stars). 2 submissions from 2 submitters: Uncertain significance (2). Last evaluated 2024-10-31.

Conditions:
Cardiovascular phenotype. Identifiers: MedGen CN230736.
Progressive familial heart block type IB (PFHB1B). Identifiers: Orphanet 871, MedGen C1970298, MONDO:0011474, OMIM 604559.

Allele frequency attached by ClinVar (database versions not stated): gnomAD exomes 0.00001; TOPMed 0.00002; gnomAD 0.00003.
gnomAD v4.1: 16 of 1,546,342 alleles (0.001%); highest among the groups gnomAD compares: African/African-American, 0.0055%; no homozygotes.

Submissions (2):

Labcorp Genetics (formerly Invitae), Labcorp
Classification: Uncertain significance for Progressive familial heart block type IB. Last evaluated: 2024-10-31. Review status: criteria provided, single submitter. Criteria: Invitae Variant Classification Sherloc (09022015). Collection method: clinical testing. Allele origin: germline.
Comment: This sequence change replaces proline, which is neutral and non-polar, with serine, which is neutral and polar, at codon 809 of the TRPM4 protein (p.Pro809Ser). This variant is present in population databases (no rsID available, gnomAD 0.02%). This variant has not been reported in the literature in individuals affected with TRPM4-related conditions. ClinVar contains an entry for this variant (Variation ID: 1791077). An algorithm developed to predict the effect of missense changes on protein structure and function outputs the following: PolyPhen-2: "Benign". The serine amino acid residue is found in multiple mammalian species, which suggests that this missense change does not adversely affect protein function. In summary, the available evidence is currently insufficient to determine the role of this variant in disease. Therefore, it has been classified as a Variant of Uncertain Significance.

Ambry Genetics
Classification: Uncertain significance for Cardiovascular phenotype. Last evaluated: 2024-08-28. Review status: criteria provided, single submitter. Criteria: Ambry Variant Classification Scheme 2023. Collection method: clinical testing. Allele origin: germline.
Comment: The p.P809S variant (also known as c.2425C>T), located in coding exon 17 of the TRPM4 gene, results from a C to T substitution at nucleotide position 2425. The proline at codon 809 is replaced by serine, an amino acid with similar properties. This amino acid position is poorly conserved in available vertebrate species. In addition, this alteration is predicted to be tolerated by in silico analysis. Since supporting evidence is limited at this time, the clinical significance of this alteration remains unclear.